The following is an entry in ClinVar:

NM_000545.8(HNF1A):c.1623+1G>A

Gene: HNF1A (HNF1 homeobox A; plus strand). Cytogenetic location: 12q24.31.
Variant type: single nucleotide variant.
Coding change: c.1623+1G>A on transcript NM_000545.8 (MANE Select); the canonical splice donor site of the intron after coding-DNA position 1623, G replaced by A.
Molecular consequence: splice donor variant.
Genome position (GRCh38, 1-based): chr12:120,999,390, G>A. VCF-style: chr12-120999390-G-A. GRCh37 (hg19) VCF-style: chr12-121437193-G-A.
Other names: NM_001306179.2:c.1623+1G>A; c.1623+1G>A (NM_001306179.2); c.1431+1G>A (NM_001406915.1).
Identifiers: ClinVar variation 1687078 (VCV001687078.3), dbSNP rs2135850957, ClinGen allele CA386972260.
Genomic context (GRCh38, chr12:120,999,390, plus strand): 5'-ATGCTCATCACCGACACCACCAACCTGAGCGCCCTGGCCAGCCTCACGCCCACCAAGCAG[G>A]TAAGGTCCAGGCCTGCTGGCCCTCCCTTGGCCTGTGACAGAGCCCCTCACCCCCACATCC-3'

ClinVar aggregate classification (germline): Pathogenic (3 of 4 stars; one submission).

Conditions:
Monogenic diabetes. Identifiers: Orphanet 183625, MedGen C3888631, MONDO:0015967.

Submission:

ClinGen Monogenic Diabetes Variant Curation Expert Panel
Classification: Pathogenic for Monogenic diabetes. Last evaluated: 2022-05-02. Review status: reviewed by expert panel. Criteria: ClinGen Diabetes ACMG Specifications v1 1. Collection method: curation. Allele origin: germline. Inheritance: Autosomal dominant inheritance.
Comment: The c.1623+1G>A variant in the HNF1 homeobox A gene, HNF1A, is predicted to remove a canonical splice donor site in intron 8 of NM_000545.8. This variant is predicted to cause skipping of biologically-relevant exon 8 of 10, resulting in a frameshift, leading to nonsense mediated decay in a gene in which loss-of-function is an established disease mechanism (PVS1; PMID: 23348805). This variant is absent from gnomAD v2.1.1 (PM2_Supporting). This variant segregated with diabetes, with 3 informative meioses in one family with MODY (PP1; PMID: 12378390). Lastly, this variant was identified in 4 unrelated individuals with non- autoimmune and non-absolute/near-absolute insulin-deficient diabetes (PS4_Moderate; PMIDs: 11272211, 30155490; internal lab contributors). In summary, c.1623+1G>A meets the criteria to be classified as pathogenic for monogenic diabetes. ACMG/AMP criteria applied, as specified by the ClinGen MDEP (specification version 1.1, approved 9/30/2021): PVS1, PM2_Supporting, PP4_Moderate, PP1, PS4_Moderate.